The following is an entry in ClinVar:

NM_177438.3(DICER1):c.5603+6C>T

Gene: DICER1 (dicer 1, ribonuclease III; minus strand). Cytogenetic location: 14q32.13.
Variant type: single nucleotide variant.
Coding change: c.5603+6C>T on transcript NM_177438.3 (MANE Select); 6 bases into the intron after coding-DNA position 5603, C replaced by T.
Molecular consequence: intron variant.
Genome position (GRCh38, 1-based): chr14:95,091,028, G>A on the plus strand (C>T on the coding strand, the complement: DICER1 is on the minus strand). VCF-style: chr14-95091028-G-A. GRCh37 (hg19) VCF-style: chr14-95557365-G-A.
Other names: c.5603+6C>T (NM_001395680.1, NM_001395684.1, NM_001395683.1 and 7 more transcripts); c.5198+6C>T (NM_001395687.1, NM_001395689.1, NM_001395688.1 and 1 more transcripts); c.5321+6C>T (NM_001395686.1); c.5036+6C>T (NM_001395691.1); c.3920+6C>T (NM_001395697.1); c.5440+6C>T (NM_001195573.1).
Identifiers: ClinVar variation 3650307 (VCV003650307.2).

ClinVar aggregate classification (germline): Uncertain significance (1 of 4 stars; one submission).

Conditions:
DICER1-related tumor predisposition. Also called: DICER1 syndrome; DICER1-related pleuropulmonary blastoma cancer predisposition syndrome. Identifiers: Orphanet 284343, MedGen C3839822, MONDO:0100216.

gnomAD v4.1: 1 of 1,611,070 alleles (0.000062%); highest among the groups gnomAD compares: Admixed American, 0.0017%; no homozygotes.

Submission:

Labcorp Genetics (formerly Invitae), Labcorp
Classification: Uncertain significance for DICER1-related tumor predisposition. Last evaluated: 2024-04-18. Review status: criteria provided, single submitter. Criteria: Invitae Variant Classification Sherloc (09022015). Collection method: clinical testing. Allele origin: germline.
Comment: This sequence change falls in intron 26 of the DICER1 gene. It does not directly change the encoded amino acid sequence of the DICER1 protein. It affects a nucleotide within the consensus splice site. This variant is not present in population databases (gnomAD no frequency). This variant has not been reported in the literature in individuals affected with DICER1-related conditions. Variants that disrupt the consensus splice site are a relatively common cause of aberrant splicing (PMID: 17576681, 9536098). Algorithms developed to predict the effect of sequence changes on RNA splicing suggest that this variant is not likely to affect RNA splicing. In summary, the available evidence is currently insufficient to determine the role of this variant in disease. Therefore, it has been classified as a Variant of Uncertain Significance.

Literature cited by the submitters: PubMed 17576681; PubMed 9536098.